The following is an entry in ClinVar:

NM_003184.4(TAF2):c.582T>G (p.Asp194Glu)

Gene: TAF2 (TATA-box binding protein associated factor 2; minus strand). Cytogenetic location: 8q24.12.
Variant type: single nucleotide variant.
Coding change: c.582T>G on transcript NM_003184.4 (MANE Select); coding-DNA position 582, T replaced by G.
Protein change: p.Asp194Glu; replaces aspartic acid 194 with glutamic acid.
Molecular consequence: missense variant.
Genome position (GRCh38, 1-based): chr8:119,802,004, A>C on the plus strand (T>G on the coding strand, the complement: TAF2 is on the minus strand). VCF-style: chr8-119802004-A-C. GRCh37 (hg19) VCF-style: chr8-120814244-A-C.
Other names: c.582T>G, p.Asp194Glu (NM_001437338.1, NM_001437339.1, NM_001438084.1); short protein forms D194E.
Identifiers: ClinVar variation 4741827 (VCV004741827.1).
Genomic context (GRCh38, chr8:119,802,004, plus strand): 5'-AGCAACCATTGCAGCATCTACTGTAAATTCTAATTTCCATGTACACAATTCAGAGTATGA[A>C]TCAACACAAGGGAACCAAAATCTAGAAAAAAGATTGACAGTATAGAAAATGTATTCAAAG-3'
Protein context (NP_003175.2, residues 184-204): NSTRFWFPCV[Asp194Glu]SYSELCTWKL

ClinVar aggregate classification (germline): Uncertain significance (1 of 4 stars; one submission).

Submission:

Labcorp Genetics (formerly Invitae), Labcorp
Classification: Uncertain significance. Last evaluated: 2026-01-03. Review status: criteria provided, single submitter. Criteria: Invitae Variant Classification Sherloc (09022015). Collection method: clinical testing. Allele origin: germline.
Comment: This sequence change replaces aspartic acid, which is acidic and polar, with glutamic acid, which is acidic and polar, at codon 194 of the TAF2 protein (p.Asp194Glu). This variant is not present in population databases (gnomAD no frequency). This variant has not been reported in the literature in individuals affected with TAF2-related conditions. Invitae Evidence Modeling of protein sequence and biophysical properties (such as structural, functional, and spatial information, amino acid conservation, physicochemical variation, residue mobility, and thermodynamic stability) has been performed for this missense variant. However, the output from this modeling did not meet the statistical confidence thresholds required to predict the impact of this variant on TAF2 protein function. In summary, the available evidence is currently insufficient to determine the role of this variant in disease. Therefore, it has been classified as a Variant of Uncertain Significance.